The following is an entry in ClinVar:

ClinVar aggregate classification (germline): Likely benign (1 of 4 stars; one submission).

Allele frequency attached by ClinVar (database versions not stated): gnomAD 0.00001; TOPMed 0.00002; gnomAD exomes 0.00003; ESP Exome Variant Server 0.00008; ExAC 0.00009.
gnomAD v4.1: 47 of 1,614,018 alleles (0.0029%); highest among the groups gnomAD compares: Non-Finnish European, 0.0013%; no homozygotes.

Submission:

CeGaT Center for Human Genetics Tuebingen
Classification: Likely benign. Last evaluated: 2026-07-01. Review status: criteria provided, single submitter. Criteria: CeGaT Center For Human Genetics Tuebingen Variant Classification Criteria Version 2. Collection method: clinical testing. Allele origin: germline. Affected: yes. Observed: 2 variant alleles.
Comment: KDM2B: BP4, BP7

NM_032590.5(KDM2B):c.798A>G (p.Pro266=)

Gene: KDM2B (lysine demethylase 2B; minus strand). Cytogenetic location: 12q24.31.
Variant type: single nucleotide variant.
Coding change: c.798A>G on transcript NM_032590.5 (MANE Select); coding-DNA position 798, A replaced by G.
Protein change: p.Pro266=; no amino-acid change (proline 266 retained).
Molecular consequence: synonymous variant.
Genome position (GRCh38, 1-based): chr12:121,532,939, T>C on the plus strand (A>G on the coding strand, the complement: KDM2B is on the minus strand). VCF-style: chr12-121532939-T-C. GRCh37 (hg19) VCF-style: chr12-121970844-T-C.
Other names: c.705A>G, p.Pro235= (NM_001005366.2).
Identifiers: ClinVar variation 2643410 (VCV002643410.24), dbSNP rs370596141, ClinGen allele CA6837113.